The following is an entry in ClinVar:

NM_182961.4(SYNE1):c.3952G>C (p.Glu1318Gln)

Gene: SYNE1 (spectrin repeat containing nuclear envelope protein 1; minus strand). Cytogenetic location: 6q25.2.
Variant type: single nucleotide variant.
Coding change: c.3952G>C on transcript NM_182961.4 (MANE Select); coding-DNA position 3952, G replaced by C.
Protein change: p.Glu1318Gln; replaces glutamic acid 1318 with glutamine.
Molecular consequence: missense variant.
Genome position (GRCh38, 1-based): chr6:152,442,131, C>G on the plus strand (G>C on the coding strand, the complement: SYNE1 is on the minus strand). VCF-style: chr6-152442131-C-G. GRCh37 (hg19) VCF-style: chr6-152763266-C-G.
Other names: c.3973G>C, p.Glu1325Gln (NM_033071.5); short protein forms E1318Q, E1325Q.
Identifiers: ClinVar variation 355926 (VCV000355926.15), dbSNP rs201144728, ClinGen allele CA4058706.

ClinVar aggregate classification (germline): Conflicting classifications of pathogenicity. Review status: criteria provided, conflicting classifications (1 of 4 stars). 5 submissions from 4 submitters: Uncertain significance (3); Benign (1). 1 of the submissions does not count toward it. Last evaluated 2023-03-18.

Conditions:
SYNE1-related disorder. Also called: SYNE1-related disorders; SYNE1-related disease; SYNE1-related condition.
Autosomal recessive ataxia, Beauce type. Also called: SYNE1 Deficiency; SYNE1-Related Autosomal Recessive Cerebellar Ataxia; Spinocerebellar ataxia, autosomal recessive 8; ATAXIA, RECESSIVE, OF BEAUCE. Identifiers: Orphanet 88644, MedGen C1853116, MONDO:0012549, OMIM 610743.
Emery-Dreifuss muscular dystrophy 4, autosomal dominant (EDMD4). Also called: EMERY-DREIFUSS MUSCULAR DYSTROPHY 4 WITH VARIABLE FEATURES. Identifiers: Orphanet 261, MedGen C2751807, MONDO:0013071, OMIM 612998.

Allele frequency attached by ClinVar (database versions not stated): gnomAD exomes 0.00002 and 0.00012; gnomAD 0.00004 and 0.00006; TOPMed 0.00005; ExAC 0.00011; 1000 Genomes Project 30x 0.00031; 1000 Genomes Project 0.00040.
gnomAD v4.1: 42 of 1,614,012 alleles (0.0026%); highest among the groups gnomAD compares: East Asian, 0.089%; no homozygotes.

Submissions (5):

Labcorp Genetics (formerly Invitae), Labcorp
Classification: Uncertain significance for Emery-Dreifuss muscular dystrophy 4, autosomal dominant; Autosomal recessive ataxia, Beauce type. Last evaluated: 2023-03-18. Review status: criteria provided, single submitter. Criteria: Invitae Variant Classification Sherloc (09022015). Collection method: clinical testing. Allele origin: germline.
Comment: This variant is present in population databases (rs201144728, gnomAD 0.2%). In summary, the available evidence is currently insufficient to determine the role of this variant in disease. Therefore, it has been classified as a Variant of Uncertain Significance. Algorithms developed to predict the effect of missense changes on protein structure and function output the following: SIFT: "Not Available"; PolyPhen-2: "Benign"; Align-GVGD: "Not Available". The glutamine amino acid residue is found in multiple mammalian species, which suggests that this missense change does not adversely affect protein function. ClinVar contains an entry for this variant (Variation ID: 355926). This variant has not been reported in the literature in individuals affected with SYNE1-related conditions. This sequence change replaces glutamic acid, which is acidic and polar, with glutamine, which is neutral and polar, at codon 1325 of the SYNE1 protein (p.Glu1325Gln).

Illumina Laboratory Services, Illumina
Classification: Uncertain significance for Autosomal recessive ataxia, Beauce type. Last evaluated: 2018-01-13. Review status: criteria provided, single submitter. Criteria: ICSL Variant Classification Criteria 13 December 2019. Collection method: clinical testing. Allele origin: germline.

Illumina Laboratory Services, Illumina
Classification: Benign for Emery-Dreifuss muscular dystrophy 4, autosomal dominant. Last evaluated: 2018-01-13. Review status: criteria provided, single submitter. Criteria: ICSL Variant Classification Criteria 13 December 2019. Collection method: clinical testing. Allele origin: germline.
Comment: This variant was observed in the ICSL laboratory as part of a predisposition screen in an ostensibly healthy population. It had not been previously curated by ICSL or reported in the Human Gene Mutation Database (HGMD: prior to June 1st, 2018), and was therefore a candidate for classification through an automated scoring system. Utilizing variant allele frequency, disease prevalence and penetrance estimates, and inheritance mode, an automated score was calculated to assess if this variant is too frequent to cause the disease. Based on the score and internal cut-off values, a variant classified as benign is not then subjected to further curation. The score for this variant resulted in a classification of benign for this disease.

GeneDx
Classification: Uncertain significance. Last evaluated: 2016-12-27. Review status: criteria provided, single submitter. Criteria: GeneDx Variant Classification (06012015). Collection method: clinical testing. Allele origin: germline. Affected: yes.
Comment: A variant of uncertain significance has been identified in the SYNE1 gene. The E1325Q variant has not been published as a pathogenic variant, nor has it been reported as a benign variant to our knowledge. The E1325Q variant is not observed at a significant frequency in large population cohorts (Lek et al., 2016; 1000 Genomes Consortium et al., 2015; Exome Variant Server). The E1325Q variant is a semi-conservative amino acid substitution, which may impact secondary protein structure as these residues differ in some properties. However, this substitution occurs at a position that is not conserved. In silico analysis is inconsistent in its predictions as to whether or not the variant is damaging to the protein structure/function. Therefore, based on the currently available information, it is unclear whether this variant is a pathogenic variant or a rare benign variant.

PreventionGenetics, part of Exact Sciences
Classification: Likely benign for SYNE1-related condition. Last evaluated: 2022-09-28. Review status: no assertion criteria provided. Collection method: clinical testing. Allele origin: germline. Not counted in ClinVar's aggregate classification.
Comment: This variant is classified as likely benign based on ACMG/AMP sequence variant interpretation guidelines (Richards et al. 2015 PMID: 25741868, with internal and published modifications).